The following is an entry in ClinVar:

NM_178134.3(CYP4Z1):c.879C>T (p.Ser293=)

Genes: CYP4A22-AS1 (CYP4A22 antisense RNA 1; minus strand), CYP4Z1 (cytochrome P450 family 4 subfamily Z member 1; plus strand). Cytogenetic location: 1p33.
Variant type: single nucleotide variant.
Coding change: c.879C>T on transcript NM_178134.3 (MANE Select); coding-DNA position 879, C replaced by T.
Protein change: p.Ser293=; no amino-acid change (serine 293 retained).
Molecular consequence: synonymous variant.
Genome position (GRCh38, 1-based): chr1:47,099,096, C>T. VCF-style: chr1-47099096-C-T. GRCh37 (hg19) VCF-style: chr1-47564768-C-T.
Identifiers: ClinVar variation 2638804 (VCV002638804.24), dbSNP rs531653571, ClinGen allele CA840613.

ClinVar aggregate classification (germline): Likely benign (1 of 4 stars; one submission).

Allele frequency attached by ClinVar (database versions not stated): 1000 Genomes Project 30x 0.00156; gnomAD exomes 0.00057; ExAC 0.00116; 1000 Genomes Project 0.00120.
gnomAD v4.1: 894 of 1,613,920 alleles (0.055%); highest among the groups gnomAD compares: South Asian, 0.89%; 18 homozygotes.

Submission:

CeGaT Center for Human Genetics Tuebingen
Classification: Likely benign. Last evaluated: 2023-07-01. Review status: criteria provided, single submitter. Criteria: CeGaT Center For Human Genetics Tuebingen Variant Classification Criteria Version 2. Collection method: clinical testing. Allele origin: germline. Affected: yes. Observed: 1 variant allele.
Comment: CYP4Z1: BP4, BP7, BS2